The following is an entry in ClinVar:

ClinVar aggregate classification (germline): Uncertain significance. Review status: criteria provided, multiple submitters, no conflicts (2 of 4 stars). 4 submissions from 4 submitters: Uncertain significance (4). Last evaluated 2024-09-10.

Conditions:
Emery-Dreifuss muscular dystrophy 4, autosomal dominant (EDMD4). Also called: EMERY-DREIFUSS MUSCULAR DYSTROPHY 4 WITH VARIABLE FEATURES. Identifiers: Orphanet 261, MedGen C2751807, MONDO:0013071, OMIM 612998.
Autosomal recessive ataxia, Beauce type. Also called: SYNE1 Deficiency; Spinocerebellar ataxia, autosomal recessive 8; ATAXIA, RECESSIVE, OF BEAUCE; SYNE1-Related Autosomal Recessive Cerebellar Ataxia. Identifiers: Orphanet 88644, MedGen C1853116, MONDO:0012549, OMIM 610743.

Allele frequency attached by ClinVar (database versions not stated): gnomAD exomes 0.00001; ExAC 0.00002; TOPMed 0.00003.
gnomAD v4.1: 7 of 1,614,194 alleles (0.00043%); highest among the groups gnomAD compares: East Asian, 0.0045%; no homozygotes.

Submissions (4):

GeneDx
Classification: Uncertain significance. Last evaluated: 2024-09-10. Review status: criteria provided, single submitter. Criteria: GeneDx Variant Classification Process June 2021. Collection method: clinical testing. Allele origin: germline. Affected: yes.
Comment: Not observed at significant frequency in large population cohorts (gnomAD); In silico analysis indicates that this missense variant does not alter protein structure/function; Has not been previously published as pathogenic or benign to our knowledge

Labcorp Genetics (formerly Invitae), Labcorp
Classification: Uncertain significance for Emery-Dreifuss muscular dystrophy 4, autosomal dominant; Autosomal recessive ataxia, Beauce type. Last evaluated: 2023-11-27. Review status: criteria provided, single submitter. Criteria: Invitae Variant Classification Sherloc (09022015). Collection method: clinical testing. Allele origin: germline.
Comment: This sequence change replaces lysine, which is basic and polar, with asparagine, which is neutral and polar, at codon 5051 of the SYNE1 protein (p.Lys5051Asn). This variant is present in population databases (rs764169067, gnomAD 0.01%). This variant has not been reported in the literature in individuals affected with SYNE1-related conditions. ClinVar contains an entry for this variant (Variation ID: 499223). An algorithm developed to predict the effect of missense changes on protein structure and function (PolyPhen-2) suggests that this variant is likely to be disruptive. Algorithms developed to predict the effect of sequence changes on RNA splicing suggest that this variant may disrupt the consensus splice site. In summary, the available evidence is currently insufficient to determine the role of this variant in disease. Therefore, it has been classified as a Variant of Uncertain Significance.

Athena Diagnostics
Classification: Uncertain significance. Last evaluated: 2023-10-23. Review status: criteria provided, single submitter. Criteria: Athena Diagnostics Criteria. Collection method: clinical testing. Allele origin: unknown.
Comment: Available data are insufficient to determine the clinical significance of the variant at this time. The frequency of this variant in the general population is uninformative in assessment of its pathogenicity. Computational tools disagree on the variant's effect on normal protein function.

Eurofins Ntd Llc (ga)
Classification: Uncertain significance. Last evaluated: 2016-12-29. Review status: criteria provided, single submitter. Criteria: EGL Classification Definitions 2015. Collection method: clinical testing. Allele origin: germline. Observed: 1 variant allele, 1 heterozygote.

Literature cited by the submitters: PubMed 28074886 (cited by Athena Diagnostics).

NM_182961.4(SYNE1):c.15366G>T (p.Lys5122Asn)

Gene: SYNE1 (spectrin repeat containing nuclear envelope protein 1; minus strand). Cytogenetic location: 6q25.2.
Variant type: single nucleotide variant.
Coding change: c.15366G>T on transcript NM_182961.4 (MANE Select); coding-DNA position 15366, G replaced by T.
Protein change: p.Lys5122Asn; replaces lysine 5122 with asparagine.
Molecular consequence: missense variant.
Genome position (GRCh38, 1-based): chr6:152,326,030, C>A on the plus strand (G>T on the coding strand, the complement: SYNE1 is on the minus strand). VCF-style: chr6-152326030-C-A. GRCh37 (hg19) VCF-style: chr6-152647165-C-A.
Other names: c.15366G>T (NM_182961.2); c.15153G>T (NM_033071.3); c.15153G>T, p.Lys5051Asn (NM_033071.5); short protein forms K5051N, K5122N.
Identifiers: ClinVar variation 499223 (VCV000499223.10), dbSNP rs764169067, ClinGen allele CA4055812.